The following is an entry in ClinVar:

ClinVar aggregate classification (germline): Uncertain significance (1 of 4 stars; one submission).

gnomAD v4.1: 2 of 1,209,638 alleles (0.00017%); highest among the groups gnomAD compares: South Asian, 0.0035%; no homozygotes.

Submission:

GeneDx
Classification: Uncertain significance. Last evaluated: 2024-10-03. Review status: criteria provided, single submitter. Criteria: GeneDx Variant Classification Process June 2021. Collection method: clinical testing. Allele origin: germline. Affected: yes.
Comment: Not observed at significant frequency in large population cohorts (gnomAD); In silico analysis supports that this missense variant has a deleterious effect on protein structure/function; Has not been previously published as pathogenic or benign to our knowledge; Reported using an alternate transcript of the gene

NM_021120.4(DLG3):c.1773+829C>A

Gene: DLG3 (discs large MAGUK scaffold protein 3; plus strand). Cytogenetic location: Xq13.1.
Variant type: single nucleotide variant.
Coding change: c.1773+829C>A on transcript NM_021120.4 (MANE Select); 829 bases into the intron after coding-DNA position 1773, C replaced by A.
Molecular consequence: intron variant. On other transcripts: missense variant (2).
Genome position (GRCh38, 1-based): chrX:70,493,425, C>A. VCF-style: chrX-70493425-C-A. GRCh37 (hg19) VCF-style: chrX-69713275-C-A.
Other names: c.374C>A, p.Pro125Gln (NM_001166278.2); c.812C>A, p.Pro271Gln (NM_020730.3); short protein forms P125Q, P271Q.
Identifiers: ClinVar variation 3776568 (VCV003776568.1).